The following is an entry in ClinVar:

NM_000268.4(NF2):c.911A>G (p.His304Arg)

Gene: NF2 (NF2, moesin-ezrin-radixin like (MERLIN) tumor suppressor; plus strand). Cytogenetic location: 22q12.2.
Variant type: single nucleotide variant.
Coding change: c.911A>G on transcript NM_000268.4 (MANE Select); coding-DNA position 911, A replaced by G.
Protein change: p.His304Arg; replaces histidine 304 with arginine.
Molecular consequence: missense variant. On other transcripts: non-coding transcript variant (1), intron variant (1).
Genome position (GRCh38, 1-based): chr22:29,668,358, A>G. VCF-style: chr22-29668358-A-G. GRCh37 (hg19) VCF-style: chr22-30064347-A-G.
Other names: c.911A>G, p.His304Arg (NM_016418.5, NM_181825.3, NM_181832.3); c.785A>G, p.His262Arg (NM_181828.3); c.788A>G, p.His263Arg (NM_181829.3); c.662A>G, p.His221Arg (NM_181830.3, NM_181831.3); c.447+26073A>G (NM_181833.3); short protein forms H304R, H263R, H221R, H262R.
Identifiers: ClinVar variation 457930 (VCV000457930.9), dbSNP rs1555998800, ClinGen allele CA411145642.
Genomic context (GRCh38, chr22:29,668,358, plus strand): 5'-GATATTAACCTTTTTGTCTGCTTCTGTGGCCACAGATTCTCCAGCTATGTATCGGGAACC[A>G]TGATCTATTTATGAGGAGAAGGAAAGCCGATTCTTTGGAAGTTCAGCAGATGAAAGCCCA-3'
Protein context (NP_000259.1, residues 294-314): KLILQLCIGN[His304Arg]DLFMRRRKAD

ClinVar aggregate classification (germline): Uncertain significance (1 of 4 stars; one submission).

Conditions:
Neurofibromatosis, type 2 (SWNV). Also called: BILATERAL ACOUSTIC NEUROFIBROMATOSIS; SCHWANNOMATOSIS, VESTIBULAR; NF2-Related Schwannomatosis. Identifiers: Orphanet 637, MedGen C0027832, MONDO:0007039, OMIM 101000. Disease mechanism: loss of function.

Submission:

Labcorp Genetics (formerly Invitae), Labcorp
Classification: Uncertain significance for Neurofibromatosis, type 2. Last evaluated: 2017-02-23. Review status: criteria provided, single submitter. Criteria: Invitae Variant Classification Sherloc (09022015). Collection method: clinical testing. Allele origin: germline.
Comment: Algorithms developed to predict the effect of missense changes on protein structure and function (SIFT, PolyPhen-2, Align-GVGD) all suggest that this variant is likely to be disruptive, but these predictions have not been confirmed by published functional studies. This variant is not present in population databases (ExAC no frequency) and has not been reported in the literature in individuals with an NF2-related disease. This sequence change replaces histidine with arginine at codon 304 of the NF2 protein (p.His304Arg). The histidine residue is highly conserved and there is a small physicochemical difference between histidine and arginine. In summary, this variant is a novel missense change with uncertain impact on protein function. It has been classified as a Variant of Uncertain Significance.